The following is an entry in ClinVar:

NM_001288705.3(CSF1R):c.795C>G (p.Leu265=)

Gene: CSF1R (colony stimulating factor 1 receptor; minus strand). Cytogenetic location: 5q32.
Variant type: single nucleotide variant.
Coding change: c.795C>G on transcript NM_001288705.3 (MANE Select); coding-DNA position 795, C replaced by G.
Protein change: p.Leu265=; no amino-acid change (leucine 265 retained).
Molecular consequence: synonymous variant. On other transcripts: non-coding transcript variant (2).
Genome position (GRCh38, 1-based): chr5:150,077,370, G>C on the plus strand (C>G on the coding strand, the complement: CSF1R is on the minus strand). VCF-style: chr5-150077370-G-C. GRCh37 (hg19) VCF-style: chr5-149456933-G-C.
Other names: c.795C>G, p.Leu265= (NM_001349736.2, NM_001375320.1, NM_005211.4); c.351C>G, p.Leu117= (NM_001375321.1).
Identifiers: ClinVar variation 3607584 (VCV003607584.3).
Genomic context (GRCh38, chr5:150,077,370, plus strand): 5'-GCCCTGCACGTTGCTGGCCACGCAGGAGTAGTTGCCGGCATGTTGGAAATCTACTTGATC[G>C]AGGTTGAGGGTCAGGACTTTTTGGTAACGGTTATTATGAAAGTCAGATTGTTGAGGGATT-3'
Protein context (NP_001275634.1, residues 255-275): NRYQKVLTLN[Leu265=]DQVDFQHAGN

ClinVar aggregate classification (germline): Likely benign. Review status: criteria provided, multiple submitters, no conflicts (2 of 4 stars). 2 submissions from 2 submitters: Likely benign (2). Last evaluated 2026-09-01.

gnomAD v4.1: 15 of 1,614,078 alleles (0.00093%); highest among the groups gnomAD compares: Non-Finnish European, 0.0011%; no homozygotes.

Submissions (2):

CeGaT Center for Human Genetics Tuebingen
Classification: Likely benign. Last evaluated: 2026-09-01. Review status: criteria provided, single submitter. Criteria: CeGaT Center For Human Genetics Tuebingen Variant Classification Criteria Version 2. Collection method: clinical testing. Allele origin: germline. Affected: yes. Observed: 1 variant allele.
Comment: CSF1R: BP4, BP7

Labcorp Genetics (formerly Invitae), Labcorp
Classification: Likely benign. Last evaluated: 2024-09-14. Review status: criteria provided, single submitter. Criteria: Invitae Variant Classification Sherloc (09022015). Collection method: clinical testing. Allele origin: germline.